The following is an entry in ClinVar:

NM_002382.5(MAX):c.23A>C (p.Glu8Ala)

Genes: MAX (MYC associated transcriptional regulator X; minus strand), LOC130055850 (ATAC-STARR-seq lymphoblastoid silent region 5847; plus strand). Cytogenetic location: 14q23.3.
Variant type: single nucleotide variant.
Coding change: c.23A>C on transcript NM_002382.5 (MANE Select); coding-DNA position 23, A replaced by C.
Protein change: p.Glu8Ala; replaces glutamic acid 8 with alanine.
Molecular consequence: missense variant. On other transcripts: 5 prime UTR variant (1).
Genome position (GRCh38, 1-based): chr14:65,102,317, T>G on the plus strand (A>C on the coding strand, the complement: MAX is on the minus strand). VCF-style: chr14-65102317-T-G. GRCh37 (hg19) VCF-style: chr14-65569035-T-G.
Other names: c.23A>C, p.Glu8Ala (NM_001271068.2, NM_001271069.2, NM_001407094.1 and 18 more transcripts); c.-252A>C (NM_001320415.2); c.-225A>C (NM_001407107.1); short protein forms E8A.
Identifiers: ClinVar variation 1790697 (VCV001790697.5), dbSNP rs2139977134, ClinGen allele CA390038978.

ClinVar aggregate classification (germline): Uncertain significance. Review status: criteria provided, multiple submitters, no conflicts (2 of 4 stars). 2 submissions from 2 submitters: Uncertain significance (2). Last evaluated 2025-02-15.

Conditions:
Hereditary cancer-predisposing syndrome. Also called: Tumor predisposition; Hereditary Cancer Syndrome; Hereditary neoplastic syndrome; Neoplastic Syndromes, Hereditary. Identifiers: Orphanet 140162, MedGen C0027672, MeSH D009386, MONDO:0015356.
Hereditary pheochromocytoma and paraganglioma. Also called: Hereditary paragangliomas and pheochromocytomas; Hereditary Paraganglioma-Pheochromocytoma Syndromes; Hereditary pheochromocytoma-paraganglioma. Identifiers: Orphanet 29072, MedGen C4274332, MONDO:0017366.

Submissions (2):

Labcorp Genetics (formerly Invitae), Labcorp
Classification: Uncertain significance for Hereditary pheochromocytoma and paraganglioma. Last evaluated: 2025-02-15. Review status: criteria provided, single submitter. Criteria: Invitae Variant Classification Sherloc (09022015). Collection method: clinical testing. Allele origin: germline.
Comment: This sequence change replaces glutamic acid, which is acidic and polar, with alanine, which is neutral and non-polar, at codon 8 of the MAX protein (p.Glu8Ala). This variant is not present in population databases (gnomAD no frequency). This variant has not been reported in the literature in individuals affected with MAX-related conditions. ClinVar contains an entry for this variant (Variation ID: 1790697). An algorithm developed to predict the effect of missense changes on protein structure and function (PolyPhen-2) suggests that this variant is likely to be tolerated. In summary, the available evidence is currently insufficient to determine the role of this variant in disease. Therefore, it has been classified as a Variant of Uncertain Significance.

Ambry Genetics
Classification: Uncertain significance for Hereditary cancer-predisposing syndrome. Last evaluated: 2020-09-24. Review status: criteria provided, single submitter. Criteria: Ambry Variant Classification Scheme 2023. Collection method: clinical testing. Allele origin: germline.
Comment: The p.E8A variant (also known as c.23A>C), located in coding exon 1 of the MAX gene, results from an A to C substitution at nucleotide position 23. The glutamic acid at codon 8 is replaced by alanine, an amino acid with dissimilar properties. This amino acid position is highly conserved in available vertebrate species. In addition, the in silico prediction for this alteration is inconclusive. Since supporting evidence is limited at this time, the clinical significance of this alteration remains unclear.